The following is an entry in ClinVar:

NM_001849.4(COL6A2):c.2893C>T (p.Arg965Cys)

Gene: COL6A2 (collagen type VI alpha 2 chain; plus strand). Cytogenetic location: 21q22.3.
Variant type: single nucleotide variant.
Coding change: c.2893C>T on transcript NM_001849.4 (MANE Select); coding-DNA position 2893, C replaced by T.
Protein change: p.Arg965Cys; replaces arginine 965 with cysteine.
Molecular consequence: missense variant.
Genome position (GRCh38, 1-based): chr21:46,132,385, C>T. VCF-style: chr21-46132385-C-T. GRCh37 (hg19) VCF-style: chr21-47552299-C-T.
Other names: p.Arg965Cys; short protein forms R965C.
Identifiers: ClinVar variation 283255 (VCV000283255.58), dbSNP rs201188174, ClinGen allele CA10073082.

ClinVar aggregate classification (germline): Conflicting classifications of pathogenicity. Review status: criteria provided, conflicting classifications (1 of 4 stars). 10 submissions from 10 submitters: Uncertain significance (8); Benign (1); Likely benign (1). Last evaluated 2026-10-01.

Conditions:
COL6A2-related disorder.
Collagen 6-related myopathy. Identifiers: MedGen CN117976, MONDO:0100225.
Ullrich congenital muscular dystrophy 1A. Also called: Intermediate COL6-RD; Ullrich congenital muscular dystrophy 1. Identifiers: Orphanet 75840, MedGen C0410179, MONDO:0009681, OMIM 254090.
Bethlem myopathy 1A. Also called: Bethlem Muscular Dystrophy; MYOPATHY, BENIGN CONGENITAL, WITH CONTRACTURES; Bethlem myopathy 1. Identifiers: Orphanet 610, MedGen CN029274, MONDO:0024530, OMIM 158810.

Allele frequency attached by ClinVar (database versions not stated): ExAC 0.00016; gnomAD exomes 0.00018; gnomAD 0.00021 and 0.00023; TOPMed 0.00022; ESP Exome Variant Server 0.00046.
gnomAD v4.1: 625 of 1,609,486 alleles (0.039%); highest among the groups gnomAD compares: Non-Finnish European, 0.045%; no homozygotes.

Submissions (10):

CeGaT Center for Human Genetics Tuebingen
Classification: Uncertain significance. Last evaluated: 2026-10-01. Review status: criteria provided, single submitter. Criteria: CeGaT Center For Human Genetics Tuebingen Variant Classification Criteria Version 2. Collection method: clinical testing. Allele origin: germline. Affected: yes. Observed: 2 variant alleles.
Comment: COL6A2: PM2

Labcorp Genetics (formerly Invitae), Labcorp
Classification: Likely benign for Bethlem myopathy 1A. Last evaluated: 2026-02-02. Review status: criteria provided, single submitter. Criteria: Invitae Variant Classification Sherloc (09022015). Collection method: clinical testing. Allele origin: germline.

Revvity Omics, Revvity
Classification: Uncertain significance. Last evaluated: 2025-06-09. Review status: criteria provided, single submitter. Criteria: ACMG Guidelines, 2015. Collection method: clinical testing. Allele origin: germline.

PreventionGenetics, part of Exact Sciences
Classification: Uncertain significance for COL6A2-related condition. Last evaluated: 2024-12-31. Review status: criteria provided, single submitter. Criteria: ACMG Guidelines, 2015. Collection method: clinical testing. Allele origin: germline.
Comment: The COL6A2 c.2893C>T variant is predicted to result in the amino acid substitution p.Arg965Cys. This variant has been reported with uncertain significance in a cohort study of limb girdle muscular dystrophy (Table S7 in Nallamilli et al. 2018. PubMed ID: 30564623). This variant is reported in 0.031% of alleles in individuals of European (Finnish) descent in gnomAD. At this time, the clinical significance of this variant is uncertain due to the absence of conclusive functional and genetic evidence.

Mayo Clinic Laboratories, Mayo Clinic
Classification: Uncertain significance. Last evaluated: 2024-11-30. Review status: criteria provided, single submitter. Criteria: ACMG Guidelines, 2015. Collection method: clinical testing. Allele origin: germline. Observed: 1 variant allele.

GeneDx
Classification: Uncertain significance. Last evaluated: 2024-07-15. Review status: criteria provided, single submitter. Criteria: GeneDx Variant Classification Process June 2021. Collection method: clinical testing. Allele origin: germline. Affected: yes.
Comment: In silico analysis supports that this missense variant has a deleterious effect on protein structure/function; Has not been previously published as pathogenic or benign to our knowledge; This variant is associated with the following publications: (PMID: 30564623)

Blueprint Genetics
Classification: Uncertain significance. Last evaluated: 2023-12-22. Review status: criteria provided, single submitter. Criteria: ACMG Guidelines, 2015. Collection method: clinical testing. Allele origin: germline.

Illumina Laboratory Services, Illumina
Classification: Benign for Collagen VI-related myopathy. Last evaluated: 2018-01-13. Review status: criteria provided, single submitter. Criteria: ICSL Variant Classification Criteria 13 December 2019. Collection method: clinical testing. Allele origin: germline.
Comment: This variant was observed in the ICSL laboratory as part of a predisposition screen in an ostensibly healthy population. It had not been previously curated by ICSL or reported in the Human Gene Mutation Database (HGMD: prior to June 1st, 2018), and was therefore a candidate for classification through an automated scoring system. Utilizing variant allele frequency, disease prevalence and penetrance estimates, and inheritance mode, an automated score was calculated to assess if this variant is too frequent to cause the disease. Based on the score and internal cut-off values, a variant classified as benign is not then subjected to further curation. The score for this variant resulted in a classification of benign for this disease.

Eurofins Ntd Llc (ga)
Classification: Uncertain significance. Last evaluated: 2017-12-11. Review status: criteria provided, single submitter. Criteria: EGL Classification Definitions 2015. Collection method: clinical testing. Allele origin: germline. Observed: 6 variant alleles, 6 heterozygotes.

Neuberg Centre For Genomic Medicine, NCGM
Classification: Uncertain significance for Ullrich congenital muscular dystrophy 1A. Review status: criteria provided, single submitter. Criteria: ACMG Guidelines, 2015. Collection method: clinical testing. Allele origin: germline. Inheritance: Autosomal recessive inheritance. Affected: yes.
Comment: The missense variant c.2893C>T in COL6A2 has been submitted to ClinVar as a Variant of Uncertain Significance (VUS), but no details are available for independent assessment. This variant has been observed in an individual with clinical suspicion of limb-girdle muscular dystrophy (Nallamilli et. al., 2018). The p.Arg965Cys variant is novel (not in any individuals) in 1000 Genomes and has allele frequency of 0.02% in gnomAD database. The amino acid Arg at position 965 is changed to a Cys changing protein sequence and it might alter its composition and physico-chemical properties. The amino acid change p.Arg965Cys in COL6A2 is predicted as conserved by GERP++ and PhyloP across 100 vertebrates. For these reasons, this variant has been classified as Uncertain Significance (VUS).

Literature cited by the submitters: PubMed 30564623 (cited by Mayo Clinic Laboratories, Mayo Clinic).